The following is an entry in ClinVar:

ClinVar aggregate classification (germline): Uncertain significance (1 of 4 stars; one submission).

Allele frequency attached by ClinVar (database versions not stated): gnomAD 0.00001; TOPMed 0.00001; gnomAD exomes 0.00007.
gnomAD v4.1: 106 of 1,614,012 alleles (0.0066%); highest among the groups gnomAD compares: Non-Finnish European, 0.009%; no homozygotes.

Submission:

Labcorp Genetics (formerly Invitae), Labcorp
Classification: Uncertain significance. Last evaluated: 2023-06-02. Review status: criteria provided, single submitter. Criteria: Invitae Variant Classification Sherloc (09022015). Collection method: clinical testing. Allele origin: germline.
Comment: In summary, the available evidence is currently insufficient to determine the role of this variant in disease. Therefore, it has been classified as a Variant of Uncertain Significance. An algorithm developed to predict the effect of missense changes on protein structure and function (PolyPhen-2) suggests that this variant is likely to be disruptive. ClinVar contains an entry for this variant (Variation ID: 1974913). This variant has not been reported in the literature in individuals affected with TFRC-related conditions. This variant is present in population databases (rs780984255, gnomAD 0.0009%). This sequence change replaces isoleucine, which is neutral and non-polar, with methionine, which is neutral and non-polar, at codon 756 of the TFRC protein (p.Ile756Met).

NM_001128148.3(TFRC):c.2268T>G (p.Ile756Met)

Gene: TFRC (transferrin receptor; minus strand). Cytogenetic location: 3q29.
Variant type: single nucleotide variant.
Coding change: c.2268T>G on transcript NM_001128148.3 (MANE Select); coding-DNA position 2268, T replaced by G.
Protein change: p.Ile756Met; replaces isoleucine 756 with methionine.
Molecular consequence: missense variant.
Genome position (GRCh38, 1-based): chr3:196,051,957, A>C on the plus strand (T>G on the coding strand, the complement: TFRC is on the minus strand). VCF-style: chr3-196051957-A-C. GRCh37 (hg19) VCF-style: chr3-195778828-A-C.
Other names: c.2025T>G, p.Ile675Met (NM_001313965.2); c.1422T>G, p.Ile474Met (NM_001313966.2); c.2268T>G, p.Ile756Met (NM_003234.4); short protein forms I675M, I756M, I474M.
Identifiers: ClinVar variation 1974913 (VCV001974913.5), dbSNP rs780984255, ClinGen allele CA90740051.